The following is an entry in ClinVar:

NM_020975.6(RET):c.1310A>C (p.Asn437Thr)

Gene: RET (ret proto-oncogene; plus strand). Cytogenetic location: 10q11.21.
Variant type: single nucleotide variant.
Coding change: c.1310A>C on transcript NM_020975.6 (MANE Select); coding-DNA position 1310, A replaced by C.
Protein change: p.Asn437Thr; replaces asparagine 437 with threonine.
Molecular consequence: missense variant. On other transcripts: intron variant (15).
Genome position (GRCh38, 1-based): chr10:43,111,253, A>C. VCF-style: chr10-43111253-A-C. GRCh37 (hg19) VCF-style: chr10-43606701-A-C.
Other names: c.1310A>C, p.Asn437Thr (NM_000323.2, NM_001406743.1, NM_001406744.1 and 6 more transcripts); c.548A>C, p.Asn183Thr (NM_001355216.2); c.1181A>C, p.Asn394Thr (NM_001406761.1, NM_001406762.1, NM_001406764.1 and 1 more transcripts); c.1022A>C, p.Asn341Thr (NM_001406766.1, NM_001406767.1, NM_001406770.1); c.914A>C, p.Asn305Thr (NM_001406769.1, NM_001406772.1); c.872A>C, p.Asn291Thr (NM_001406771.1, NM_001406773.1); c.785A>C, p.Asn262Thr (NM_001406774.1); c.584A>C, p.Asn195Thr (NM_001406775.1, NM_001406776.1, NM_001406777.1 and 1 more transcripts); and 5 more; short protein forms N107T, N183T, N195T, N262T, N291T, N305T, N341T, N394T.
Identifiers: ClinVar variation 3071808 (VCV003071808.2), dbSNP rs1260532632, ClinGen allele CA376548976.

ClinVar aggregate classification (germline): Uncertain significance. Review status: criteria provided, multiple submitters, no conflicts (2 of 4 stars). 2 submissions from 2 submitters: Uncertain significance (2). Last evaluated 2025-03-25.

Conditions:
Hereditary cancer-predisposing syndrome. Also called: Hereditary neoplastic syndrome; Hereditary Cancer Syndrome; Neoplastic Syndromes, Hereditary; Tumor predisposition. Identifiers: Orphanet 140162, MedGen C0027672, MeSH D009386, MONDO:0015356.
Multiple endocrine neoplasia, type 2 (MEN2). Identifiers: Orphanet 653, MedGen C4048306, MONDO:0019003. Disease mechanism: gain of function.

Submissions (2):

Ambry Genetics
Classification: Uncertain significance for Hereditary cancer-predisposing syndrome. Last evaluated: 2025-03-25. Review status: criteria provided, single submitter. Criteria: Ambry Variant Classification Scheme 2023. Collection method: clinical testing. Allele origin: germline.
Comment: The p.N437T variant (also known as c.1310A>C), located in coding exon 7 of the RET gene, results from an A to C substitution at nucleotide position 1310. The asparagine at codon 437 is replaced by threonine, an amino acid with similar properties. This amino acid position is conserved. In addition, this alteration is predicted to be tolerated by in silico analysis. Based on the available evidence, the clinical significance of this variant remains unclear.

All of Us Research Program, National Institutes of Health
Classification: Uncertain significance for Multiple endocrine neoplasia, type 2. Last evaluated: 2023-06-26. Review status: criteria provided, single submitter. Criteria: ACMG Guidelines, 2015. Collection method: clinical testing. Allele origin: germline. Inheritance: Autosomal dominant inheritance. Observed: 1 variant allele, 1 heterozygote.
Comment: This missense variant replaces asparagine with threonine at codon 437 of the RET protein. Computational prediction suggests that this variant may not impact protein structure and function (internally defined REVEL score threshold <= 0.5, PMID: 27666373). To our knowledge, functional studies have not been reported for this variant. This variant has not been reported in individuals affected with RET-related disorders in the literature. This variant has not been identified in the general population by the Genome Aggregation Database (gnomAD). The available evidence is insufficient to determine the role of this variant in disease conclusively. Therefore, this variant is classified as a Variant of Uncertain Significance.

This study involves interpretation of variants in research participants for the purpose of population health screening. Participant phenotype was not available at the time of variant classification. Additional details can be found in publication PMID: 35346344, PMCID: PMC8962531